The following is an entry in ClinVar:

NM_001244008.2(KIF1A):c.5195A>C (p.Asp1732Ala)

Gene: KIF1A (kinesin family member 1A; minus strand). Cytogenetic location: 2q37.3.
Variant type: single nucleotide variant.
Coding change: c.5195A>C on transcript NM_001244008.2 (MANE Select); coding-DNA position 5195, A replaced by C.
Protein change: p.Asp1732Ala; replaces aspartic acid 1732 with alanine.
Molecular consequence: missense variant. On other transcripts: intron variant (1).
Genome position (GRCh38, 1-based): chr2:240,719,025, T>G on the plus strand (A>C on the coding strand, the complement: KIF1A is on the minus strand). VCF-style: chr2-240719025-T-G. GRCh37 (hg19) VCF-style: chr2-241658442-T-G.
Other names: c.4919A>C, p.Asp1640Ala (NM_001320705.2, NM_001379649.1); c.4946A>C, p.Asp1649Ala (NM_001330289.2); c.4994A>C, p.Asp1665Ala (NM_001330290.2, NM_001379648.1); c.5270A>C, p.Asp1757Ala (NM_001379631.1); c.5171A>C, p.Asp1724Ala (NM_001379632.1); c.5168A>C, p.Asp1723Ala (NM_001379633.1, NM_001379645.1); c.5021A>C, p.Asp1674Ala (NM_001379634.1); c.5018A>C, p.Asp1673Ala (NM_001379635.1, NM_001379646.1); and 8 more; short protein forms D1640A, D1649A, D1665A, D1673A, D1732A, D1757A, D1631A, D1639A.
Identifiers: ClinVar variation 2932535 (VCV002932535.3), dbSNP rs2044928015, ClinGen allele CA351297971.

ClinVar aggregate classification (germline): Uncertain significance (1 of 4 stars; one submission).

Conditions:
Neuropathy, hereditary sensory, type 2C. Also called: Hereditary sensory and autonomic neuropathy type IIC; KIF1A-Related HSAN2 (HSAN2C). Identifiers: Orphanet 970, MedGen C3280168, MONDO:0013634, OMIM 614213.
Hereditary spastic paraplegia 30. Identifiers: Orphanet 101010, MedGen C5235139, MONDO:0012476.
Intellectual disability, autosomal dominant 9 (NESCAVS). Also called: NESCAV SYNDROME; KIF1A-Related Neurodevelopmental Disorder. Identifiers: Orphanet 662367, MedGen C5393830, MONDO:0013656, OMIM 614255.

Allele frequency attached by ClinVar (database versions not stated): gnomAD exomes below 0.00001.
gnomAD v4.1: 2 of 1,609,104 alleles (0.00012%); highest among the groups gnomAD compares: Non-Finnish European, 0.000085%; no homozygotes.

Submission:

Labcorp Genetics (formerly Invitae), Labcorp
Classification: Uncertain significance for Hereditary spastic paraplegia 30; Neuropathy, hereditary sensory, type 2C; Intellectual disability, autosomal dominant 9. Last evaluated: 2023-12-18. Review status: criteria provided, single submitter. Criteria: Invitae Variant Classification Sherloc (09022015). Collection method: clinical testing. Allele origin: germline.
Comment: This sequence change replaces aspartic acid, which is acidic and polar, with alanine, which is neutral and non-polar, at codon 1631 of the KIF1A protein (p.Asp1631Ala). This variant is not present in population databases (gnomAD no frequency). This variant has not been reported in the literature in individuals affected with KIF1A-related conditions. Advanced modeling of protein sequence and biophysical properties (such as structural, functional, and spatial information, amino acid conservation, physicochemical variation, residue mobility, and thermodynamic stability) performed at Invitae indicates that this missense variant is not expected to disrupt KIF1A protein function with a negative predictive value of 95%. In summary, the available evidence is currently insufficient to determine the role of this variant in disease. Therefore, it has been classified as a Variant of Uncertain Significance.